The following is an entry in ClinVar:

NM_013275.6(ANKRD11):c.7370G>A (p.Cys2457Tyr)

Gene: ANKRD11 (ankyrin repeat domain 11; minus strand). Cytogenetic location: 16q24.3.
Variant type: single nucleotide variant.
Coding change: c.7370G>A on transcript NM_013275.6 (MANE Select); coding-DNA position 7370, G replaced by A.
Protein change: p.Cys2457Tyr; replaces cysteine 2457 with tyrosine.
Molecular consequence: missense variant.
Genome position (GRCh38, 1-based): chr16:89,279,172, C>T on the plus strand (G>A on the coding strand, the complement: ANKRD11 is on the minus strand). VCF-style: chr16-89279172-C-T. GRCh37 (hg19) VCF-style: chr16-89345580-C-T.
Other names: c.7370G>A, p.Cys2457Tyr (NM_001256182.2, NM_001256183.2); short protein forms C2457Y.
Identifiers: ClinVar variation 2818539 (VCV002818539.3), dbSNP rs1303172994, ClinGen allele CA397148498.

ClinVar aggregate classification (germline): Uncertain significance (1 of 4 stars; one submission).

Conditions:
KBG syndrome (KBGS). Also called: ANKRD11-Related KBG Syndrome. Identifiers: Orphanet 2332, MedGen C0220687, MONDO:0007846, OMIM 148050.

Allele frequency attached by ClinVar (database versions not stated): TOPMed below 0.00001; gnomAD 0.00001; gnomAD exomes 0.00001.
gnomAD v4.1: 11 of 1,612,954 alleles (0.00068%); highest among the groups gnomAD compares: African/African-American, 0.0027%; no homozygotes.

Submission:

Labcorp Genetics (formerly Invitae), Labcorp
Classification: Uncertain significance for KBG syndrome. Last evaluated: 2024-11-24. Review status: criteria provided, single submitter. Criteria: Invitae Variant Classification Sherloc (09022015). Collection method: clinical testing. Allele origin: germline.
Comment: This sequence change replaces cysteine, which is neutral and slightly polar, with tyrosine, which is neutral and polar, at codon 2457 of the ANKRD11 protein (p.Cys2457Tyr). This variant is present in population databases (no rsID available, gnomAD 0.002%). This variant has not been reported in the literature in individuals affected with ANKRD11-related conditions. ClinVar contains an entry for this variant (Variation ID: 2818539). Invitae Evidence Modeling of protein sequence and biophysical properties (such as structural, functional, and spatial information, amino acid conservation, physicochemical variation, residue mobility, and thermodynamic stability) indicates that this missense variant is not expected to disrupt ANKRD11 protein function with a negative predictive value of 95%. In summary, the available evidence is currently insufficient to determine the role of this variant in disease. Therefore, it has been classified as a Variant of Uncertain Significance.